The following is an entry in ClinVar:

ClinVar aggregate classification (germline): Uncertain significance (1 of 4 stars; one submission).

Conditions:
Congenital disorder of glycosylation type 1E (CDG1E). Also called: CONGENITAL DISORDER OF GLYCOSYLATION, TYPE Ie; CDG Ie. Identifiers: Orphanet 79322, MedGen C1837396, MONDO:0012123, OMIM 608799.

Submission:

Labcorp Genetics (formerly Invitae), Labcorp
Classification: Uncertain significance for Congenital disorder of glycosylation type 1E. Last evaluated: 2024-02-05. Review status: criteria provided, single submitter. Criteria: Invitae Variant Classification Sherloc (09022015). Collection method: clinical testing. Allele origin: germline.
Comment: This sequence change replaces serine, which is neutral and polar, with alanine, which is neutral and non-polar, at codon 230 of the DPM1 protein (p.Ser230Ala). This variant is not present in population databases (gnomAD no frequency). This variant has not been reported in the literature in individuals affected with DPM1-related conditions. ClinVar contains an entry for this variant (Variation ID: 1034691). An algorithm developed to predict the effect of missense changes on protein structure and function (PolyPhen-2) suggests that this variant is likely to be tolerated. In summary, the available evidence is currently insufficient to determine the role of this variant in disease. Therefore, it has been classified as a Variant of Uncertain Significance.

NM_003859.3(DPM1):c.688T>G (p.Ser230Ala)

Genes: DPM1 (dolichyl-phosphate mannosyltransferase subunit 1, catalytic; minus strand), ADNP-AS1 (ADNP antisense RNA 1; plus strand). Cytogenetic location: 20q13.13.
Variant type: single nucleotide variant.
Coding change: c.688T>G on transcript NM_003859.3 (MANE Select); coding-DNA position 688, T replaced by G.
Protein change: p.Ser230Ala; replaces serine 230 with alanine.
Molecular consequence: missense variant. On other transcripts: non-coding transcript variant (1).
Genome position (GRCh38, 1-based): chr20:50,935,227, A>C on the plus strand (T>G on the coding strand, the complement: DPM1 is on the minus strand). VCF-style: chr20-50935227-A-C. GRCh37 (hg19) VCF-style: chr20-49551764-A-C.
Other names: c.793T>G, p.Ser265Ala (NM_001317034.1); c.769T>G, p.Ser257Ala (NM_001317035.1); c.619T>G, p.Ser207Ala (NM_001317036.1); short protein forms S207A, S230A, S257A, S265A.
Identifiers: ClinVar variation 1034691 (VCV001034691.8), dbSNP rs1985042327, ClinGen allele CA408987210.